The following is an entry in ClinVar:

ClinVar aggregate classification (germline): Pathogenic (1 of 4 stars; one submission).

Conditions:
Primary ciliary dyskinesia. Also called: Ciliary dyskinesia. Identifiers: Orphanet 244, MedGen C0008780, MONDO:0016575, HP:0012265.

Submission:

Labcorp Genetics (formerly Invitae), Labcorp
Classification: Pathogenic for Primary ciliary dyskinesia. Last evaluated: 2022-09-01. Review status: criteria provided, single submitter. Criteria: Invitae Variant Classification Sherloc (09022015). Collection method: clinical testing. Allele origin: germline.
Comment: For these reasons, this variant has been classified as Pathogenic. This variant has not been reported in the literature in individuals affected with DNAI2-related conditions. This variant is not present in population databases (gnomAD no frequency). This sequence change creates a premature translational stop signal (p.Leu519Argfs*19) in the DNAI2 gene. It is expected to result in an absent or disrupted protein product. Loss-of-function variants in DNAI2 are known to be pathogenic (PMID: 18950741, 23891469).

Literature cited by the submitters: PubMed 18950741; PubMed 23891469.

NM_023036.6(DNAI2):c.1555_1561del (p.Leu519fs)

Gene: DNAI2 (dynein axonemal intermediate chain 2; plus strand). Cytogenetic location: 17q25.1.
Variant type: Deletion.
Coding change: c.1555_1561del on transcript NM_023036.6 (MANE Select); coding-DNA positions 1555 to 1561, 7 bases deleted (CTGAAGG; older notation c.1555_1561delCTGAAGG).
Protein change: p.Leu519fs; shifts the reading frame from leucine 519.
Molecular consequence: frameshift variant. On other transcripts: non-coding transcript variant (1).
Genome position (GRCh38, 1-based): chr17:74,312,063-74,312,069, CTGAAGG deleted; deleting any 7 consecutive bases within chr17:74,312,061-74,312,069 gives the same sequence; the c. name uses the placement nearest the transcript's 3' end. VCF-style (leftmost placement, unchanged base first): chr17-74312060-CGGCTGAA-C. GRCh37 (hg19) VCF-style: chr17-72308199-CGGCTGAA-C.
Other names: c.1519_1525del, p.Leu507fs (NM_001172810.3); c.1555_1561del, p.Leu519fs (NM_001353167.2); short protein forms L507fs, L519fs.
Identifiers: ClinVar variation 2042822 (VCV002042822.4), dbSNP rs2509774238, ClinGen allele CA2580095139.